The following is an entry in ClinVar:

NM_000297.4(PKD2):c.354del (p.Trp118fs)

Genes: PKD2 (polycystin 2, transient receptor potential cation channel; plus strand), LOC129992813 (ATAC-STARR-seq lymphoblastoid silent region 15559; plus strand). Cytogenetic location: 4q22.1.
Variant type: Deletion.
Coding change: c.354del on transcript NM_000297.4 (MANE Select); coding-DNA position 354, one base deleted (G; older notation c.354delG).
Protein change: p.Trp118fs; shifts the reading frame from tryptophan 118.
Molecular consequence: frameshift variant. On other transcripts: non-coding transcript variant (1).
Genome position (GRCh38, 1-based): chr4:88,008,087, G deleted; the last of 2 consecutive G bases (chr4:88,008,086-88,008,087); deleting either gives the same sequence. VCF-style (leftmost placement, unchanged base first): chr4-88008085-TG-T. GRCh37 (hg19) VCF-style: chr4-88929237-TG-T.
Other names: short protein forms W118fs.
Identifiers: ClinVar variation 3235981 (VCV003235981.1), dbSNP rs2476357922, ClinGen allele CA2825001309.

ClinVar aggregate classification (germline): Pathogenic (1 of 4 stars; one submission).

Conditions:
Polycystic kidney disease 2 (PKD2). Also called: Polycystic Kidney Disease 2, Autosomal Dominant; POLYCYSTIC KIDNEY DISEASE 2 WITH OR WITHOUT POLYCYSTIC LIVER DISEASE; POLYCYSTIC KIDNEY DISEASE, ADULT, TYPE II. Identifiers: MedGen C2751306, MONDO:0013131, OMIM 613095.

Submission:

MVZ Medizinische Genetik Mainz
Classification: Pathogenic for Polycystic kidney disease 2. Last evaluated: 2022-06-24. Review status: criteria provided, single submitter. Criteria: UK Practice Guidelines For Variant Classification V4 01 2020. Collection method: clinical testing. Allele origin: germline. Inheritance: Autosomal dominant inheritance. Affected: yes. Observed: 1 variant allele.
Comment: ACMG Criteria: PVS1, PM2_SUP, PP4 (ACMG Version 3)